The following is an entry in ClinVar:

NM_199242.3(UNC13D):c.567C>A (p.Ile189=)

Gene: UNC13D (unc-13 homolog D; minus strand). Cytogenetic location: 17q25.1.
Variant type: single nucleotide variant.
Coding change: c.567C>A on transcript NM_199242.3 (MANE Select); coding-DNA position 567, C replaced by A.
Protein change: p.Ile189=; no amino-acid change (isoleucine 189 retained).
Molecular consequence: synonymous variant.
Genome position (GRCh38, 1-based): chr17:75,842,435, G>T on the plus strand (C>A on the coding strand, the complement: UNC13D is on the minus strand). VCF-style: chr17-75842435-G-T. GRCh37 (hg19) VCF-style: chr17-73838516-G-T.
Other names: p.Ile189=.
Identifiers: ClinVar variation 533106 (VCV000533106.17), dbSNP rs147903551, ClinGen allele CA8773438.

ClinVar aggregate classification (germline): Benign/Likely benign. Review status: criteria provided, multiple submitters, no conflicts (2 of 4 stars). 5 submissions from 5 submitters: Benign (2); Likely benign (2). 1 of the submissions does not count toward it. Last evaluated 2026-01-18.

Conditions:
UNC13D-related disorder. Also called: UNC13D-related condition.
Familial hemophagocytic lymphohistiocytosis 3 (FHL3). Also called: UNC13D-Related Familial Hemophagocytic Lymphohistiocytosis (UNC13D-fHLH). Identifiers: Orphanet 540, MedGen C1837174, MONDO:0012146, OMIM 608898.

Allele frequency attached by ClinVar (database versions not stated): gnomAD exomes 0.00015 and 0.00049; ExAC 0.00050; ESP Exome Variant Server 0.00115; TOPMed 0.00128; gnomAD 0.00131 and 0.00134; 1000 Genomes Project 0.00280; 1000 Genomes Project 30x 0.00359.

Submissions (5):

Labcorp Genetics (formerly Invitae), Labcorp
Classification: Benign for Familial hemophagocytic lymphohistiocytosis 3. Last evaluated: 2026-01-18. Review status: criteria provided, single submitter. Criteria: Invitae Variant Classification Sherloc (09022015). Collection method: clinical testing. Allele origin: germline.

Mayo Clinic Laboratories, Mayo Clinic
Classification: Likely benign. Last evaluated: 2025-11-19. Review status: criteria provided, single submitter. Criteria: ACMG Guidelines, 2015. Collection method: clinical testing. Allele origin: germline. Observed: 1 variant allele.
Comment: BS1, BP4, BP7

Blueprint Genetics
Classification: Likely benign. Last evaluated: 2024-07-05. Review status: criteria provided, single submitter. Criteria: ACMG Guidelines, 2015. Collection method: clinical testing. Allele origin: germline.

Breakthrough Genomics
Classification: Benign. Review status: criteria provided, single submitter. Criteria: ACMG Guidelines, 2015. Collection method: not provided. Allele origin: germline. Inheritance: Autosomal recessive inheritance. Affected: yes.

PreventionGenetics, part of Exact Sciences
Classification: Likely benign for UNC13D-related condition. Last evaluated: 2019-08-12. Review status: no assertion criteria provided. Collection method: clinical testing. Allele origin: germline. Not counted in ClinVar's aggregate classification.
Comment: This variant is classified as likely benign based on ACMG/AMP sequence variant interpretation guidelines (Richards et al. 2015 PMID: 25741868, with internal and published modifications).